The following is an entry in ClinVar:

ClinVar aggregate classification (germline): Benign/Likely benign. Review status: criteria provided, multiple submitters, no conflicts (2 of 4 stars). 4 submissions from 4 submitters: Benign (2); Likely benign (2). Last evaluated 2025-09-02.

Allele frequency attached by ClinVar (database versions not stated): ExAC 0.00526.

Submissions (4):

Mayo Clinic Laboratories, Mayo Clinic
Classification: Likely benign. Last evaluated: 2025-09-02. Review status: criteria provided, single submitter. Criteria: ACMG Guidelines, 2015. Collection method: clinical testing. Allele origin: germline. Observed: 2 variant alleles.
Comment: BS2, BP4_moderate

Blueprint Genetics
Classification: Likely benign. Last evaluated: 2024-11-26. Review status: criteria provided, single submitter. Criteria: ACMG Guidelines, 2015. Collection method: clinical testing. Allele origin: germline.

Labcorp Genetics (formerly Invitae), Labcorp
Classification: Benign. Last evaluated: 2019-12-31. Review status: criteria provided, single submitter. Criteria: Invitae Variant Classification Sherloc (09022015). Collection method: clinical testing. Allele origin: germline.

Breakthrough Genomics
Classification: Benign. Review status: criteria provided, single submitter. Criteria: ACMG Guidelines, 2015. Collection method: not provided. Allele origin: germline. Inheritance: Autosomal recessive inheritance. Affected: yes.

NM_017414.4(USP18):c.974A>G (p.Asn325Ser)

Gene: USP18 (ubiquitin specific peptidase 18; plus strand). Cytogenetic location: 22q11.21.
Variant type: single nucleotide variant.
Coding change: c.974A>G on transcript NM_017414.4 (MANE Select); coding-DNA position 974, A replaced by G.
Protein change: p.Asn325Ser; replaces asparagine 325 with serine.
Molecular consequence: missense variant.
Genome position (GRCh38, 1-based): chr22:18,173,232, A>G. VCF-style: chr22-18173232-A-G. GRCh37 (hg19) VCF-style: chr22-18655999-A-G.
Other names: p.Asn325Ser; short protein forms N325S.
Identifiers: ClinVar variation 781908 (VCV000781908.6), dbSNP rs138527339, ClinGen allele CA10094216.